The following is an entry in ClinVar:

ClinVar aggregate classification (germline): Uncertain significance (1 of 4 stars; one submission).

Conditions:
Nephronophthisis 14 (NPHP14). Identifiers: Orphanet 2318, MedGen C3539071, MONDO:0013916, OMIM 614844.

Allele frequency attached by ClinVar (database versions not stated): gnomAD exomes below 0.00001 and 0.00001.
gnomAD v4.1: 4 of 1,613,996 alleles (0.00025%); highest among the groups gnomAD compares: Non-Finnish European, 0.00034%; no homozygotes.

Submission:

Labcorp Genetics (formerly Invitae), Labcorp
Classification: Uncertain significance for Nephronophthisis 14. Last evaluated: 2023-08-17. Review status: criteria provided, single submitter. Criteria: Invitae Variant Classification Sherloc (09022015). Collection method: clinical testing. Allele origin: germline.
Comment: This variant has not been reported in the literature in individuals affected with ZNF423-related conditions. In summary, the available evidence is currently insufficient to determine the role of this variant in disease. Therefore, it has been classified as a Variant of Uncertain Significance. Advanced modeling of protein sequence and biophysical properties (such as structural, functional, and spatial information, amino acid conservation, physicochemical variation, residue mobility, and thermodynamic stability) performed at Invitae indicates that this missense variant is not expected to disrupt ZNF423 protein function. ClinVar contains an entry for this variant (Variation ID: 1469016). This variant is present in population databases (no rsID available, gnomAD 0.0009%). This sequence change replaces glutamic acid, which is acidic and polar, with aspartic acid, which is acidic and polar, at codon 249 of the ZNF423 protein (p.Glu249Asp).

NM_001379286.1(ZNF423):c.771G>C (p.Glu257Asp)

Gene: ZNF423 (zinc finger protein 423; minus strand). Cytogenetic location: 16q12.1.
Variant type: single nucleotide variant.
Coding change: c.771G>C on transcript NM_001379286.1 (MANE Select); coding-DNA position 771, G replaced by C.
Protein change: p.Glu257Asp; replaces glutamic acid 257 with aspartic acid.
Molecular consequence: missense variant.
Genome position (GRCh38, 1-based): chr16:49,638,405, C>G on the plus strand (G>C on the coding strand, the complement: ZNF423 is on the minus strand). VCF-style: chr16-49638405-C-G. GRCh37 (hg19) VCF-style: chr16-49672316-C-G.
Other names: c.396G>C, p.Glu132Asp (NM_001330533.2); c.747G>C, p.Glu249Asp (NM_015069.5); c.567G>C, p.Glu189Asp (NM_001271620.2); short protein forms E249D, E132D, E189D, E257D.
Identifiers: ClinVar variation 1469016 (VCV001469016.6), dbSNP rs1248320608, ClinGen allele CA395851532.